The following is an entry in ClinVar:

ClinVar aggregate classification (germline): Uncertain significance. Review status: criteria provided, multiple submitters, no conflicts (2 of 4 stars). 4 submissions from 3 submitters: Uncertain significance (4). Last evaluated 2025-09-29.

Conditions:
Cataract 38. Also called: Cataract, autosomal recessive congenital 5; Cataract 38, autosomal recessive. Identifiers: Orphanet 91492, MedGen C3553494, MONDO:0013859, OMIM 614691.
Sengers syndrome. Also called: MITOCHONDRIAL DNA DEPLETION SYNDROME 10 (CARDIOMYOPATHIC TYPE); Cardiomyopathy and cataract. Identifiers: Orphanet 1369, MedGen C1859317, MONDO:0008922, OMIM 212350.

Allele frequency attached by ClinVar (database versions not stated): gnomAD exomes 0.00001.
gnomAD v4.1: 9 of 1,609,286 alleles (0.00056%); highest among the groups gnomAD compares: Admixed American, 0.0017%; no homozygotes.

Submissions (4):

Dasa
Classification: Uncertain significance. Last evaluated: 2025-09-29. Review status: criteria provided, single submitter. Criteria: DASA Assertion Criteria. Collection method: clinical testing. Allele origin: germline.
Comment: NM_018238.4(AGK):c.297+3A>G is a splice-region variant. This variant is rare in population databases. Computational prediction algorithms are consistent with a benign effect. The currently available literature and clinical evidence are not sufficient to establish a definitive association between this variant and the reported condition. Therefore, this variant is classified as a variant of uncertain significance.

Labcorp Genetics (formerly Invitae), Labcorp
Classification: Uncertain significance for Sengers syndrome; Cataract 38. Last evaluated: 2022-06-20. Review status: criteria provided, single submitter. Criteria: Invitae Variant Classification Sherloc (09022015). Collection method: clinical testing. Allele origin: germline.
Comment: This sequence change falls in intron 5 of the AGK gene. It does not directly change the encoded amino acid sequence of the AGK protein. It affects a nucleotide within the consensus splice site. This variant is present in population databases (no rsID available, gnomAD 0.003%). This variant has not been reported in the literature in individuals affected with AGK-related conditions. ClinVar contains an entry for this variant (Variation ID: 910681). Variants that disrupt the consensus splice site are a relatively common cause of aberrant splicing (PMID: 17576681, 9536098). Algorithms developed to predict the effect of sequence changes on RNA splicing suggest that this variant is not likely to affect RNA splicing. In summary, the available evidence is currently insufficient to determine the role of this variant in disease. Therefore, it has been classified as a Variant of Uncertain Significance.

Illumina Laboratory Services, Illumina
Classification: Uncertain significance for Cataract 38. Last evaluated: 2018-01-13. Review status: criteria provided, single submitter. Criteria: ICSL Variant Classification Criteria 13 December 2019. Collection method: clinical testing. Allele origin: germline.

Illumina Laboratory Services, Illumina
Classification: Uncertain significance for Sengers syndrome. Last evaluated: 2018-01-13. Review status: criteria provided, single submitter. Criteria: ICSL Variant Classification Criteria 13 December 2019. Collection method: clinical testing. Allele origin: germline.

Literature cited by the submitters: PubMed 17576681 (cited by Labcorp Genetics (formerly Invitae), Labcorp); PubMed 9536098 (cited by Labcorp Genetics (formerly Invitae), Labcorp).

NM_018238.4(AGK):c.297+3A>G

Gene: AGK (acylglycerol kinase; plus strand). Cytogenetic location: 7q34.
Variant type: single nucleotide variant.
Coding change: c.297+3A>G on transcript NM_018238.4 (MANE Select); 3 bases into the intron after coding-DNA position 297, A replaced by G.
Molecular consequence: intron variant.
Genome position (GRCh38, 1-based): chr7:141,601,283, A>G. VCF-style: chr7-141601283-A-G. GRCh37 (hg19) VCF-style: chr7-141301083-A-G.
Other names: c.297+3A>G (NM_001364948.3).
Identifiers: ClinVar variation 910681 (VCV000910681.7), dbSNP rs972525482, ClinGen allele CA168066664.